The following is an entry in ClinVar:

NM_001042492.3(NF1):c.7870-13dup

Gene: NF1 (neurofibromin 1; plus strand). Cytogenetic location: 17q11.2.
Variant type: Duplication.
Coding change: c.7870-13dup on transcript NM_001042492.3 (MANE Select); 13 bases into the intron before coding-DNA position 7870, one base duplicated (T; older notation c.7870-13dupT).
Molecular consequence: intron variant.
Genome position (GRCh38, 1-based): chr17:31,357,256, T duplicated; the last of 6 consecutive T bases (chr17:31,357,251-31,357,256); duplicating any one gives the same sequence. VCF-style (leftmost placement, unchanged base first): chr17-31357250-C-CT. GRCh37 (hg19) VCF-style: chr17-29684268-C-CT.
Other names: c.7807-13dupT (NM_000267.3); c.7870-13dupT (NM_001042492.2); c.7807-13dup (NM_000267.4).
Identifiers: ClinVar variation 420689 (VCV000420689.21), dbSNP rs369360556, ClinGen allele CA8487685.

ClinVar aggregate classification (germline): Conflicting classifications of pathogenicity. Review status: criteria provided, conflicting classifications (1 of 4 stars). 8 submissions from 8 submitters: Uncertain significance (1); Benign (2); Likely benign (5). Last evaluated 2026-05-22.

Conditions:
Hereditary cancer-predisposing syndrome. Also called: Tumor predisposition; Hereditary neoplastic syndrome; Hereditary Cancer Syndrome; Neoplastic Syndromes, Hereditary. Identifiers: Orphanet 140162, MedGen C0027672, MeSH D009386, MONDO:0015356.
Cardiovascular phenotype. Identifiers: MedGen CN230736.
Neurofibromatosis, type 1 (NF1). Also called: Neurofibromatosis, type I; VON RECKLINGHAUSEN DISEASE; Peripheral type neurofibromatosis; NEUROFIBROMATOSIS, TYPE I, SOMATIC. Identifiers: Orphanet 636, MedGen C0027831, MONDO:0018975, OMIM 162200. Disease mechanism: loss of function.

Submissions (8):

Myriad Genetics, Inc.
Classification: Benign for Neurofibromatosis, type 1. Last evaluated: 2026-05-22. Review status: criteria provided, single submitter. Criteria: Myriad Autosomal Dominant, Autosomal Recessive and X-Linked Classification Criteria (2023). Collection method: clinical testing. Allele origin: unknown.
Comment: This variant is considered benign. This variant is intronic and is not expected to impact mRNA splicing. This variant has been observed at a population frequency that is significantly greater than expected given the associated disease prevalence and penetrance.

CeGaT Center for Human Genetics Tuebingen
Classification: Likely benign. Last evaluated: 2026-03-01. Review status: criteria provided, single submitter. Criteria: CeGaT Center For Human Genetics Tuebingen Variant Classification Criteria Version 2. Collection method: clinical testing. Allele origin: germline. Affected: yes. Observed: 2 variant alleles.
Comment: NF1: BS1

Labcorp Genetics (formerly Invitae), Labcorp
Classification: Benign for Neurofibromatosis, type 1. Last evaluated: 2026-02-03. Review status: criteria provided, single submitter. Criteria: Invitae Variant Classification Sherloc (09022015). Collection method: clinical testing. Allele origin: germline.

Blueprint Genetics
Classification: Likely benign. Last evaluated: 2024-10-22. Review status: criteria provided, single submitter. Criteria: ACMG Guidelines, 2015. Collection method: clinical testing. Allele origin: germline.

GeneDx
Classification: Likely benign. Last evaluated: 2022-05-24. Review status: criteria provided, single submitter. Criteria: GeneDx Variant Classification Process June 2021. Collection method: clinical testing. Allele origin: germline. Affected: yes.
Comment: See Variant Classification Assertion Criteria.

PreventionGenetics, part of Exact Sciences
Classification: Likely benign. Last evaluated: 2016-11-09. Review status: criteria provided, single submitter. Criteria: ACMG Guidelines, 2015. Collection method: clinical testing. Allele origin: germline.

Center for Human Genetics, Inc
Classification: Uncertain significance for Neurofibromatosis, type 1. Last evaluated: 2016-11-01. Review status: criteria provided, single submitter. Criteria: ACMG Guidelines, 2015. Collection method: clinical testing. Allele origin: germline. Affected: yes.

Ambry Genetics
Classification: Likely benign for Cardiovascular phenotype; Hereditary cancer-predisposing syndrome. Last evaluated: 2014-12-22. Review status: criteria provided, single submitter. Criteria: Ambry Variant Classification Scheme 2023. Collection method: clinical testing. Allele origin: germline.